The following is an entry in ClinVar:

NM_007294.4(BRCA1):c.2397T>A (p.Asn799Lys)

Gene: BRCA1 (BRCA1 DNA repair associated; minus strand). Cytogenetic location: 17q21.31.
Variant type: single nucleotide variant.
Coding change: c.2397T>A on transcript NM_007294.4 (MANE Select); coding-DNA position 2397, T replaced by A.
Protein change: p.Asn799Lys; replaces asparagine 799 with lysine.
Molecular consequence: missense variant. On other transcripts: intron variant (137).
Genome position (GRCh38, 1-based): chr17:43,093,134, A>T on the plus strand (T>A on the coding strand, the complement: BRCA1 is on the minus strand). VCF-style: chr17-43093134-A-T. GRCh37 (hg19) VCF-style: chr17-41245151-A-T.
Other names: c.2274T>A, p.Asn758Lys (NM_001407938.1, NM_001407939.1, NM_001407648.1 and 19 more transcripts); c.2271T>A, p.Asn757Lys (NM_001407940.1, NM_001407941.1, NM_001407649.1 and 11 more transcripts); c.2256T>A, p.Asn752Lys (NM_001407942.1, NM_001407944.1, NM_001407945.1 and 29 more transcripts); c.2253T>A, p.Asn751Lys (NM_001407943.1, NM_001407964.1, NM_001407740.1 and 20 more transcripts); c.2064T>A, p.Asn688Lys (NM_001407946.1, NM_001407947.1, NM_001407948.1 and 6 more transcripts); c.2061T>A, p.Asn687Lys (NM_001407954.1, NM_001407955.1, NM_001407956.1 and 1 more transcripts); c.2016T>A, p.Asn672Lys (NM_001407959.1, NM_001407960.1, NM_001407963.1); c.2013T>A, p.Asn671Lys (NM_001407962.1); and 41 more; short protein forms N799K, N752K, N671K, N728K, N758K, N503K, N688K, N773K.
Identifiers: ClinVar variation 54556 (VCV000054556.32), dbSNP rs80357203, ClinGen allele CA001594.

ClinVar aggregate classification (germline): Conflicting classifications of pathogenicity. Review status: criteria provided, conflicting classifications (1 of 4 stars). 11 submissions from 11 submitters: Uncertain significance (8); Likely benign (1). 2 of the submissions do not count toward it. Last evaluated 2026-01-25.

Conditions:
BRCA1-related disorder. Also called: BRCA1-related condition.
Breast and/or ovarian cancer. Identifiers: MedGen CN221562.
Hereditary cancer-predisposing syndrome. Also called: Tumor predisposition; Neoplastic Syndromes, Hereditary; Hereditary Cancer Syndrome; Hereditary neoplastic syndrome. Identifiers: Orphanet 140162, MedGen C0027672, MeSH D009386, MONDO:0015356.
Hereditary breast ovarian cancer syndrome. Also called: Hereditary breast and ovarian cancer syndrome (HBOC); Hereditary breast and ovarian cancer syndrome; Hereditary breast and ovarian cancer; Hereditary breast and/or ovarian cancer syndrome; Breast and ovarian cancer; BRCA1- and BRCA2-Associated Hereditary Breast and Ovarian Cancer. Identifiers: Orphanet 145, MedGen C0677776, MeSH D061325, MONDO:0003582. Disease mechanism: loss of function.
Breast-ovarian cancer, familial, susceptibility to, 1 (BROVCA1). Also called: OVARIAN CANCER, SUSCEPTIBILITY TO; BRCA1 Hereditary Breast and Ovarian Cancer. Identifiers: Orphanet 145, MedGen C2676676, MONDO:0011450, OMIM 604370. Disease mechanism: loss of function.

Allele frequency attached by ClinVar (database versions not stated): gnomAD exomes below 0.00001.
gnomAD v4.1: 4 of 1,613,554 alleles (0.00025%); highest among the groups gnomAD compares: Non-Finnish European, 0.00034%; no homozygotes.

Submissions (11):

Labcorp Genetics (formerly Invitae), Labcorp
Classification: Uncertain significance for Hereditary breast ovarian cancer syndrome. Last evaluated: 2026-01-25. Review status: criteria provided, single submitter. Criteria: Invitae Variant Classification Sherloc (09022015). Collection method: clinical testing. Allele origin: germline.
Comment: This sequence change replaces asparagine, which is neutral and polar, with lysine, which is basic and polar, at codon 799 of the BRCA1 protein (p.Asn799Lys). This variant is not present in population databases (gnomAD no frequency). This variant has not been reported in the literature in individuals affected with BRCA1-related conditions. ClinVar contains an entry for this variant (Variation ID: 54556). Invitae Evidence Modeling of protein sequence and biophysical properties (such as structural, functional, and spatial information, amino acid conservation, physicochemical variation, residue mobility, and thermodynamic stability) indicates that this missense variant is not expected to disrupt BRCA1 protein function with a negative predictive value of 80%. In summary, the available evidence is currently insufficient to determine the role of this variant in disease. Therefore, it has been classified as a Variant of Uncertain Significance.

PreventionGenetics, part of Exact Sciences
Classification: Uncertain significance for BRCA1-related condition. Last evaluated: 2026-01-13. Review status: criteria provided, single submitter. Criteria: ACMG Guidelines, 2015. Collection method: clinical testing. Allele origin: germline.
Comment: The BRCA1 c.2397T>A variant is predicted to result in the amino acid substitution p.Asn799Lys. This variant has previously been reported as a variant of uncertain significance (Table 2, Judkins et al. 2005. PubMed ID: 16267036). This variant has not been reported in gnomAD, indicating it is rare. This variant occurs within a region of the BRCA1 gene that is predicted to be tolerant to missense variation (Dines et al. 2020. PubMed ID: 31911673) and was predicted to have no effect on protein structure and function (Table 1, Burk-Herrick et al. 2006. PubMed ID: 16518693). This variant has classifications ranging from likely benign to uncertain significance by other institutions in ClinVar (Variation ID: 54556). Although we suspect that this variant may be benign, the clinical significance of this variant is uncertain at this time due to the absence of conclusive functional and genetic evidence.

Color Diagnostics, LLC DBA Color Health
Classification: Uncertain significance for Hereditary cancer-predisposing syndrome. Last evaluated: 2025-06-11. Review status: criteria provided, single submitter. Criteria: ACMG Guidelines, 2015. Collection method: clinical testing. Allele origin: germline.
Comment: This missense variant replaces asparagine with lysine at codon 799 of the BRCA1 protein. Computational prediction suggests that this variant may not impact protein structure and function. To our knowledge, functional studies have not been reported for this variant. Multifactorial analyses have reported likelihood ratios (LR) reaching a combined LR of 0.1564 based on tumor pathology, co-occurrence with a pathogenic variant and personal and family history of one carrier (PMID: 31131967, 31853058). This variant has not been identified in the general population by the Genome Aggregation Database (gnomAD). The available evidence is insufficient to determine the role of this variant in disease conclusively. Therefore, this variant is classified as a Variant of Uncertain Significance.

Ambry Genetics
Classification: Uncertain significance for Hereditary cancer-predisposing syndrome. Last evaluated: 2025-04-12. Review status: criteria provided, single submitter. Criteria: Ambry Variant Classification Scheme 2023. Collection method: clinical testing. Allele origin: germline.
Comment: The p.N799K variant (also known as c.2397T>A), located in coding exon 9 of the BRCA1 gene, results from a T to A substitution at nucleotide position 2397. The asparagine at codon 799 is replaced by lysine, an amino acid with similar properties. This alteration was reported in a cohort of 55630 patients who underwent BRCA1 gene sequencing at a commercial laboratory and was classified as a variant of unknown significance (Judkins T et al. Cancer Res, 2005 Nov;65:10096-103). This amino acid position is not well conserved in available vertebrate species. In addition, the in silico prediction for this alteration is inconclusive. Since supporting evidence is limited at this time, the clinical significance of this alteration remains unclear.

All of Us Research Program, National Institutes of Health
Classification: Uncertain significance for Breast-ovarian cancer, familial, susceptibility to, 1. Last evaluated: 2023-11-30. Review status: criteria provided, single submitter. Criteria: ACMG Guidelines, 2015. Collection method: clinical testing. Allele origin: germline. Inheritance: Autosomal dominant inheritance. Observed: 3 variant alleles, 3 heterozygotes.
Comment: This missense variant replaces asparagine with lysine at codon 799 of the BRCA1 protein. Computational prediction suggests that this variant may not impact protein structure and function (internally defined REVEL score threshold <= 0.5, PMID: 27666373). To our knowledge, functional studies have not been reported for this variant. This variant has been reported in a multifactorial analysis with likelihood ratios for pathogenicity based on tumor pathology, co-occurrence with a pathogenic covariant and family history of 0.2856, 1.2975 and 2.4402, respectively (PMID: 31131967). This variant has not been identified in the general population by the Genome Aggregation Database (gnomAD). The available evidence is insufficient to determine the role of this variant in disease conclusively. Therefore, this variant is classified as a Variant of Uncertain Significance.

This study involves interpretation of variants in research participants for the purpose of population health screening. Participant phenotype was not available at the time of variant classification. Additional details can be found in publication PMID: 35346344, PMCID: PMC8962531

University of Washington Department of Laboratory Medicine, University of Washington
Classification: Likely benign for Hereditary cancer-predisposing syndrome. Last evaluated: 2023-03-23. Review status: criteria provided, single submitter. Criteria: Dines et al. (Genet Med. 2020). Collection method: curation. Allele origin: germline.
Comment: Missense variant in a coldspot region where missense variants are very unlikely to be pathogenic (PMID:31911673).

BRCA1 coldspot (exon 11 using historical exon numbering). Reclassification based on statistical prior probability

Quest Diagnostics Nichols Institute San Juan Capistrano
Classification: Uncertain significance. Last evaluated: 2021-07-21. Review status: criteria provided, single submitter. Criteria: Quest Diagnostics criteria. Collection method: clinical testing. Allele origin: unknown.

Women's Health and Genetics/Laboratory Corporation of America, LabCorp
Classification: Uncertain significance. Last evaluated: 2017-04-14. Review status: criteria provided, single submitter. Criteria: LabCorp Variant Classification Summary - May 2015. Collection method: clinical testing. Allele origin: germline.
Comment: Variant summary: The BRCA1 c.2397T>A (p.Asn799Lys) variant causes a missense change involving the alteration of a non-conserved nucleotide. 2/4 in silico tools predict a benign outcome for this variant (SNPs&GO not captured due to low reliability index). The variant of interest is absent in the large, broad control population, ExAC in 121334 control chromosomes. Multiple clinical diagnostic laboratories/reputable databases classified this variant as uncertain significance. This variant is reported in UMD-BRCA1 in 4 patients and in 2 as co-occurring with a variant classified by UMD as pathogenic (c.5144G>A; p.Ser171Asn). At this time LCA did not classify this variant and as such these co-occurrences were not included. Because of the paucity of clinical information and the lack of functional studies, the variant is classified as a variant of uncertain significance (VUS) until additional information becomes available.

CHEO Genetics Diagnostic Laboratory, Children's Hospital of Eastern Ontario
Classification: Uncertain significance for Breast and/or ovarian cancer. Last evaluated: 2015-11-09. Review status: criteria provided, single submitter. Criteria: ACMG Guidelines, 2015. Collection method: clinical testing. Allele origin: germline. Study: Canadian Open Genetics Repository.

Counsyl
Classification: Uncertain significance for Breast-ovarian cancer, familial, susceptibility to, 1. Last evaluated: 2015-12-23. Review status: no assertion criteria provided. Collection method: clinical testing. Allele origin: unknown. Not counted in ClinVar's aggregate classification.

Breast Cancer Information Core (BIC) (BRCA1)
Classification: Uncertain significance for Breast-ovarian cancer, familial 1. Last evaluated: 2002-05-29. Review status: no assertion criteria provided. Collection method: clinical testing. Allele origin: germline. Affected: yes. Observed: 2 variant alleles. Not counted in ClinVar's aggregate classification.

Literature cited by the submitters: PubMed 31131967 (cited by Color Diagnostics, LLC DBA Color Health and All of Us Research Program, National Institutes of Health); PubMed 31853058 (cited by Color Diagnostics, LLC DBA Color Health); PubMed 16267036 (cited by 4 submitters); PubMed 16518693 (cited by 4 submitters); PubMed 23249957 (cited by 3 submitters); PubMed 28051113 (cited by Ambry Genetics); PubMed 25348012 (cited by Quest Diagnostics Nichols Institute San Juan Capistrano and Counsyl); PubMed 15385441 (cited by 3 submitters).